The following is an entry in ClinVar:

ClinVar aggregate classification (germline): Pathogenic (1 of 4 stars; one submission).

Conditions:
Autosomal recessive nonsyndromic hearing loss 2. Also called: NEUROSENSORY NONSYNDROMIC RECESSIVE DEAFNESS 2; DEAFNESS, AUTOSOMAL RECESSIVE 2. Identifiers: Orphanet 90636, MedGen C1838701, MONDO:0010807, OMIM 600060.

Submission:

Institute of Rare Diseases, West China Hospital, Sichuan University
Classification: Pathogenic for Autosomal recessive nonsyndromic hearing loss 2. Last evaluated: 2025-01-09. Review status: criteria provided, single submitter. Criteria: ClinGen HL ACMG Specifications v1. Collection method: research. Allele origin: germline. Affected: yes.
Comment: PVS1;PM3;PM2_Supporting

NM_000260.4(MYO7A):c.1554+1G>A

Gene: MYO7A (myosin VIIA; plus strand). Cytogenetic location: 11q13.5.
Variant type: single nucleotide variant.
Coding change: c.1554+1G>A on transcript NM_000260.4 (MANE Select); the canonical splice donor site of the intron after coding-DNA position 1554, G replaced by A.
Molecular consequence: splice donor variant.
Genome position (GRCh38, 1-based): chr11:77,162,331, G>A. VCF-style: chr11-77162331-G-A. GRCh37 (hg19) VCF-style: chr11-76873377-G-A.
Other names: c.1521+1G>A (NM_001369365.1); c.1554+1G>A (NM_001127180.2).
Identifiers: ClinVar variation 3601454 (VCV003601454.1).
Genomic context (GRCh38, chr11:77,162,331, plus strand): 5'-ATTGCCAACAAGCCCATGAACATCATCTCCCTCATCGATGAGGAGAGCAAGTTCCCCAAG[G>A]TGGGCCGGTCCTGCTGCCGCCTCCCAGGGTCTTGGGTGCGCACAGCTTCCTTCCCTGCTT-3'